The following is an entry in ClinVar:

ClinVar aggregate classification (germline): Uncertain significance (1 of 4 stars; one submission).

Submission:

Labcorp Genetics (formerly Invitae), Labcorp
Classification: Uncertain significance. Last evaluated: 2022-03-18. Review status: criteria provided, single submitter. Criteria: Invitae Variant Classification Sherloc (09022015). Collection method: clinical testing. Allele origin: germline.
Comment: This variant, c.877_888del, results in the deletion of 4 amino acid(s) of the SOX18 protein (p.Tyr293_Pro296del), but otherwise preserves the integrity of the reading frame. This variant is present in population databases (no rsID available, gnomAD 0.02%). This variant has not been reported in the literature in individuals affected with SOX18-related conditions. Experimental studies and prediction algorithms are not available or were not evaluated, and the functional significance of this variant is currently unknown. In summary, the available evidence is currently insufficient to determine the role of this variant in disease. Therefore, it has been classified as a Variant of Uncertain Significance.

NM_018419.3(SOX18):c.877_888del (p.Tyr293_Pro296del)

Gene: SOX18 (SRY-box transcription factor 18; minus strand). Cytogenetic location: 20q13.33.
Variant type: Deletion.
Coding change: c.877_888del on transcript NM_018419.3 (MANE Select); coding-DNA positions 877 to 888, 12 bases deleted (TACCCCGGCCCG).
Protein change: p.Tyr293_Pro296del.
Molecular consequence: inframe deletion.
Genome position (GRCh38, 1-based): chr20:64,048,433-64,048,444, CGGGCCGGGGTA deleted on the plus strand (TACCCCGGCCCG on the coding strand, the reverse complement: SOX18 is on the minus strand); deleting any 12 consecutive bases within chr20:64,048,433-64,048,453 gives the same sequence; the c. name uses the placement nearest the transcript's 3' end. VCF-style (leftmost placement, unchanged base first): chr20-64048432-GCGGGCCGGGGTA-G. GRCh37 (hg19) VCF-style: chr20-62679785-GCGGGCCGGGGTA-G.
Identifiers: ClinVar variation 2420853 (VCV002420853.5), dbSNP rs1569234312, ClinGen allele CA636619863.